The following is an entry in ClinVar:

ClinVar aggregate classification (germline): Uncertain significance (1 of 4 stars; one submission).

Conditions:
Glycogen storage disease, type VII (GSD7). Also called: GSD VII; MUSCLE PHOSPHOFRUCTOKINASE DEFICIENCY; PFKM DEFICIENCY; TARUI DISEASE. Identifiers: Orphanet 371, MedGen C0017926, MONDO:0009295, OMIM 232800.

Allele frequency attached by ClinVar (database versions not stated): gnomAD exomes below 0.00001; gnomAD 0.00001; ExAC 0.00002; TOPMed 0.00002.
gnomAD v4.1: 3 of 1,613,986 alleles (0.00019%); highest among the groups gnomAD compares: Non-Finnish European, 0.00025%; no homozygotes.

Submission:

Labcorp Genetics (formerly Invitae), Labcorp
Classification: Uncertain significance for Glycogen storage disease, type VII. Last evaluated: 2023-08-30. Review status: criteria provided, single submitter. Criteria: Invitae Variant Classification Sherloc (09022015). Collection method: clinical testing. Allele origin: germline.
Comment: In summary, the available evidence is currently insufficient to determine the role of this variant in disease. Therefore, it has been classified as a Variant of Uncertain Significance. Advanced modeling of protein sequence and biophysical properties (such as structural, functional, and spatial information, amino acid conservation, physicochemical variation, residue mobility, and thermodynamic stability) performed at Invitae indicates that this missense variant is not expected to disrupt PFKM protein function. ClinVar contains an entry for this variant (Variation ID: 2041009). This variant has not been reported in the literature in individuals affected with PFKM-related conditions. This variant is present in population databases (rs780328814, gnomAD 0.007%). This sequence change replaces aspartic acid, which is acidic and polar, with asparagine, which is neutral and polar, at codon 238 of the PFKM protein (p.Asp238Asn).

NM_000289.6(PFKM):c.712G>A (p.Asp238Asn)

Gene: PFKM (phosphofructokinase, muscle; plus strand). Cytogenetic location: 12q13.11.
Variant type: single nucleotide variant.
Coding change: c.712G>A on transcript NM_000289.6 (MANE Select); coding-DNA position 712, G replaced by A.
Protein change: p.Asp238Asn; replaces aspartic acid 238 with asparagine.
Molecular consequence: missense variant. On other transcripts: non-coding transcript variant (6).
Genome position (GRCh38, 1-based): chr12:48,134,794, G>A. VCF-style: chr12-48134794-G-A. GRCh37 (hg19) VCF-style: chr12-48528577-G-A.
Other names: c.925G>A, p.Asp309Asn (NM_001166686.2, NM_001354737.1, NM_001354738.1 and 1 more transcripts); c.712G>A, p.Asp238Asn (NM_001166687.2, NM_001166688.2, NM_001354742.2 and 4 more transcripts); c.1021G>A, p.Asp341Asn (NM_001354735.1, NM_001354736.1); c.856G>A, p.Asp286Asn (NM_001354740.1); c.736G>A, p.Asp246Asn (NM_001354741.2); c.625G>A, p.Asp209Asn (NM_001354745.2); c.562G>A, p.Asp188Asn (NM_001354747.2, NM_001354748.2); short protein forms D309N, D209N, D341N, D188N, D238N, D246N, D286N.
Identifiers: ClinVar variation 2041009 (VCV002041009.2), dbSNP rs780328814, ClinGen allele CA6537084.